The following is an entry in ClinVar:

ClinVar aggregate classification (germline): Likely benign. Review status: criteria provided, multiple submitters, no conflicts (2 of 4 stars). 4 submissions from 4 submitters: Likely benign (4). Last evaluated 2025-10-29.

Conditions:
Long QT syndrome (LQTS). Identifiers: MedGen C0023976, MeSH D008133, MONDO:0002442. Disease mechanism: loss of function. Inheritance: Various modes of inheritance.
Cardiovascular phenotype. Identifiers: MedGen CN230736.
Cardiac arrhythmia. Also called: Cardiac rhythm disease; Arrhythmia. Identifiers: MedGen C0003811, MONDO:0007263, HP:0011675.

Allele frequency attached by ClinVar (database versions not stated): TOPMed 0.00001; ExAC 0.00001; gnomAD 0.00001; gnomAD exomes 0.00001.
gnomAD v4.1: 26 of 1,612,848 alleles (0.0016%); highest among the groups gnomAD compares: Non-Finnish European, 0.0018%; no homozygotes.

Submissions (4):

Ambry Genetics
Classification: Likely benign for Cardiovascular phenotype. Last evaluated: 2025-10-29. Review status: criteria provided, single submitter. Criteria: Ambry Variant Classification Scheme 2023. Collection method: clinical testing. Allele origin: germline.

Labcorp Genetics (formerly Invitae), Labcorp
Classification: Likely benign for Long QT syndrome. Last evaluated: 2025-07-27. Review status: criteria provided, single submitter. Criteria: Invitae Variant Classification Sherloc (09022015). Collection method: clinical testing. Allele origin: germline.

All of Us Research Program, National Institutes of Health
Classification: Likely benign for Long QT syndrome. Last evaluated: 2023-04-03. Review status: criteria provided, single submitter. Criteria: ACMG Guidelines, 2015. Collection method: clinical testing. Allele origin: germline. Inheritance: Autosomal dominant inheritance. Observed: 1 variant allele, 1 heterozygote.
Comment: This study involves interpretation of variants in research participants for the purpose of population health screening. Participant phenotype was not available at the time of variant classification. Additional details can be found in publication PMID: 35346344, PMCID: PMC8962531

Color Diagnostics, LLC DBA Color Health
Classification: Likely benign for Cardiac arrhythmia. Last evaluated: 2021-02-01. Review status: criteria provided, single submitter. Criteria: ACMG Guidelines, 2015. Collection method: clinical testing. Allele origin: germline.

NM_000218.3(KCNQ1):c.729C>T (p.Arg243=)

Gene: KCNQ1 (potassium voltage-gated channel subfamily Q member 1; plus strand). Cytogenetic location: 11p15.5.
Variant type: single nucleotide variant.
Coding change: c.729C>T on transcript NM_000218.3 (MANE Select); coding-DNA position 729, C replaced by T.
Protein change: p.Arg243=; no amino-acid change (arginine 243 retained).
Molecular consequence: synonymous variant. On other transcripts: intron variant (1).
Genome position (GRCh38, 1-based): chr11:2,572,058, C>T. VCF-style: chr11-2572058-C-T. GRCh37 (hg19) VCF-style: chr11-2593288-C-T.
Other names: c.729C>T, p.Arg243= (NM_001406836.1); c.459C>T, p.Arg153= (NM_001406837.1); c.348C>T, p.Arg116= (NM_181798.2); c.478-11377C>T (NM_001406838.1).
Identifiers: ClinVar variation 527055 (VCV000527055.15), dbSNP rs755104170, ClinGen allele CA040183.